The following is an entry in ClinVar:

NM_017777.4(MKS1):c.727_728del (p.Thr243fs)

Gene: MKS1 (MKS transition zone complex subunit 1; minus strand). Cytogenetic location: 17q22.
Variant type: Deletion.
Coding change: c.727_728del on transcript NM_017777.4 (MANE Select); coding-DNA positions 727 to 728, 2 bases deleted (AC; older notation c.727_728delAC).
Protein change: p.Thr243fs; shifts the reading frame from threonine 243.
Molecular consequence: frameshift variant.
Genome position (GRCh38, 1-based): chr17:58,213,786-58,213,787, GT deleted on the plus strand (AC on the coding strand, the reverse complement: MKS1 is on the minus strand); deleting any 2 consecutive bases within chr17:58,213,786-58,213,788 gives the same sequence; the c. name uses the placement nearest the transcript's 3' end. VCF-style (leftmost placement, unchanged base first): chr17-58213785-CGT-C. GRCh37 (hg19) VCF-style: chr17-56291146-CGT-C.
Other names: c.118_119del, p.Thr40fs (NM_001321268.2); c.727_728del, p.Thr243fs (NM_001321269.2, NM_001330397.2); c.726_727delCA, p.Thr243Glyfs (NM_001411113.1); short protein forms T243fs, T40fs.
Identifiers: ClinVar variation 1726012 (VCV001726012.3), dbSNP rs2509441981, ClinGen allele CA2580094441.

ClinVar aggregate classification (germline): Likely pathogenic (1 of 4 stars; one submission).

Conditions:
Ciliopathy. Also called: Ciliopathies. Identifiers: Orphanet 363250, MedGen C4277690, MONDO:0005308, MeSH D000072661.

Submission:

Myriad Genetics, Inc.
Classification: Likely pathogenic for Ciliopathy. Last evaluated: 2022-05-04. Review status: criteria provided, single submitter. Criteria: Myriad Autosomal Dominant, Autosomal Recessive and X-Linked Classification Criteria (2023). Collection method: clinical testing. Allele origin: unknown.
Comment: NM_017777.3(MKS1):c.727_728delAC(T243Gfs*9) is expected to be pathogenic in the context of MKS1-related disorders. This variant is predicted to lead to an abnormal or absent protein product due to the creation of a premature termination codon in MKS1, a gene where loss-of-function variants are known to be pathogenic. Please note: this variant was assessed in the context of healthy population screening.